The following is an entry in ClinVar:

NM_001035.3(RYR2):c.10155A>G (p.Leu3385=)

Gene: RYR2 (ryanodine receptor 2; plus strand). Cytogenetic location: 1q43.
Variant type: single nucleotide variant.
Coding change: c.10155A>G on transcript NM_001035.3 (MANE Select); coding-DNA position 10155, A replaced by G.
Protein change: p.Leu3385=; no amino-acid change (leucine 3385 retained).
Molecular consequence: synonymous variant.
Genome position (GRCh38, 1-based): chr1:237,709,492, A>G. VCF-style: chr1-237709492-A-G. GRCh37 (hg19) VCF-style: chr1-237872792-A-G.
Other names: c.10155A>G, p.Leu3385= (LRG_402t1).
Identifiers: ClinVar variation 516101 (VCV000516101.27), dbSNP rs543120030, ClinGen allele CA084198.

ClinVar aggregate classification (germline): Benign/Likely benign. Review status: criteria provided, multiple submitters, no conflicts (2 of 4 stars). 9 submissions from 9 submitters: Benign (6); Likely benign (3). Last evaluated 2026-01-14.

Conditions:
Cardiovascular phenotype. Identifiers: MedGen CN230736.
Catecholaminergic polymorphic ventricular tachycardia (CVPT). Also called: Catecholamine-induced polymorphic ventricular tachycardia. Identifiers: Orphanet 3286, MedGen C5574922, MONDO:0017990.
Cardiomyopathy (CMYO). Also called: Cardiomyopathies. Identifiers: Orphanet 167848, MedGen C0878544, MONDO:0004994, HP:0001638. Inheritance: Various modes of inheritance.
Catecholaminergic polymorphic ventricular tachycardia 1. Also called: VENTRICULAR TACHYCARDIA, CATECHOLAMINERGIC POLYMORPHIC, 1, WITH OR WITHOUT ATRIAL DYSFUNCTION AND/OR DILATED CARDIOMYOPATHY; VENTRICULAR TACHYCARDIA, STRESS-INDUCED POLYMORPHIC 1; RYR2-Related Catecholaminergic Polymorphic Ventricular Tachycardia. Identifiers: Orphanet 3286, MedGen C1631597, MONDO:0011484, OMIM 604772.

Allele frequency attached by ClinVar (database versions not stated): 1000 Genomes Project 0.00140; gnomAD 0.00001 and 0.00021; TOPMed 0.00003; gnomAD exomes 0.00030 and 0.00066; ExAC 0.00092; 1000 Genomes Project 30x 0.00109.
gnomAD v4.1: 475 of 1,609,660 alleles (0.03%); highest among the groups gnomAD compares: South Asian, 0.49%; 5 homozygotes.

Submissions (9):

Labcorp Genetics (formerly Invitae), Labcorp
Classification: Benign for Catecholaminergic polymorphic ventricular tachycardia 1. Last evaluated: 2026-01-14. Review status: criteria provided, single submitter. Criteria: Invitae Variant Classification Sherloc (09022015). Collection method: clinical testing. Allele origin: germline.

Blueprint Genetics
Classification: Likely benign. Last evaluated: 2024-10-28. Review status: criteria provided, single submitter. Criteria: ACMG Guidelines, 2015. Collection method: clinical testing. Allele origin: germline.

All of Us Research Program, National Institutes of Health
Classification: Benign for Catecholaminergic polymorphic ventricular tachycardia. Last evaluated: 2024-02-05. Review status: criteria provided, single submitter. Criteria: ACMG Guidelines, 2015. Collection method: clinical testing. Allele origin: germline. Inheritance: Autosomal dominant inheritance. Observed: 19 variant alleles, 19 heterozygotes.
Comment: This study involves interpretation of variants in research participants for the purpose of population health screening. Participant phenotype was not available at the time of variant classification. Additional details can be found in publication PMID: 35346344, PMCID: PMC8962531

Ambry Genetics
Classification: Benign for Cardiovascular phenotype. Last evaluated: 2021-05-04. Review status: criteria provided, single submitter. Criteria: Ambry Variant Classification Scheme 2023. Collection method: clinical testing. Allele origin: germline.

GeneDx
Classification: Likely benign. Last evaluated: 2020-11-30. Review status: criteria provided, single submitter. Criteria: GeneDx Variant Classification Process June 2021. Collection method: clinical testing. Allele origin: germline. Affected: yes.

Women's Health and Genetics/Laboratory Corporation of America, LabCorp
Classification: Benign. Last evaluated: 2019-01-28. Review status: criteria provided, single submitter. Criteria: LabCorp Variant Classification Summary - May 2015. Collection method: clinical testing. Allele origin: germline.
Comment: Variant summary: RYR2 c.10155A>G results in a synonymous change. The variant allele was found at a frequency of 0.0006 in 274638 control chromosomes in the gnomAD database, including 1 homozygotes. The observed variant frequency is approximately 24 fold of the estimated maximal expected allele frequency for a pathogenic variant in RYR2 causing Cardiomyopathy phenotype (2.5e-05), strongly suggesting that the variant is benign. To our knowledge, no occurrence of c.10155A>G in individuals affected with Cardiomyopathy and no experimental evidence demonstrating its impact on protein function have been reported. Three clinical diagnostic laboratories have submitted clinical-significance assessments for this variant to ClinVar after 2014 without evidence for independent evaluation. All laboratories classified the variant as benign/likely benign. Based on the evidence outlined above, the variant was classified as benign.

Color Diagnostics, LLC DBA Color Health
Classification: Benign for Cardiomyopathy. Last evaluated: 2018-10-08. Review status: criteria provided, single submitter. Criteria: ACMG Guidelines, 2015. Collection method: clinical testing. Allele origin: germline.

Eurofins Ntd Llc (ga)
Classification: Likely benign. Last evaluated: 2018-01-23. Review status: criteria provided, single submitter. Criteria: EGL Classification Definitions 2015. Collection method: clinical testing. Allele origin: germline. Observed: 1 variant allele, 1 heterozygote.

CHEO Genetics Diagnostic Laboratory, Children's Hospital of Eastern Ontario
Classification: Benign for Cardiomyopathy. Last evaluated: 2016-08-25. Review status: criteria provided, single submitter. Criteria: ACMG Guidelines, 2015. Collection method: clinical testing. Allele origin: germline. Study: Canadian Open Genetics Repository.